The following is an entry in ClinVar:

ClinVar aggregate classification (germline): Likely pathogenic (1 of 4 stars; one submission).

Submission:

Labcorp Genetics (formerly Invitae), Labcorp
Classification: Likely pathogenic. Last evaluated: 2022-09-23. Review status: criteria provided, single submitter. Criteria: Invitae Variant Classification Sherloc (09022015). Collection method: clinical testing. Allele origin: germline.
Comment: In summary, the currently available evidence indicates that the variant is pathogenic, but additional data are needed to prove that conclusively. Therefore, this variant has been classified as Likely Pathogenic. Algorithms developed to predict the effect of sequence changes on RNA splicing suggest that this variant may disrupt the consensus splice site. This variant has not been reported in the literature in individuals affected with AGBL5-related conditions. This variant is present in population databases (rs775833997, gnomAD 0.003%). This sequence change affects a splice site in intron 10 of the AGBL5 gene. It is expected to disrupt RNA splicing. Variants that disrupt the donor or acceptor splice site typically lead to a loss of protein function (PMID: 16199547), and loss-of-function variants in AGBL5 are known to be pathogenic (PMID: 27764769, 27842159).

Literature cited by the submitters: PubMed 16199547; PubMed 27764769; PubMed 27842159.

NM_021831.6(AGBL5):c.1874+2_1874+5del

Gene: AGBL5 (AGBL carboxypeptidase 5; plus strand). Cytogenetic location: 2p23.3.
Variant type: Deletion.
Coding change: c.1874+2_1874+5del on transcript NM_021831.6 (MANE Select); the canonical splice donor site of the intron after coding-DNA position 1874 through 5 bases into the intron after coding-DNA position 1874, 4 bases deleted (TAAG; older notation c.1874+2_1874+5delTAAG).
Molecular consequence: splice donor variant.
Genome position (GRCh38, 1-based): chr2:27,058,604-27,058,607, TAAG deleted; deleting any 4 consecutive bases within chr2:27,058,601-27,058,607 gives the same sequence; the c. name uses the placement nearest the transcript's 3' end. VCF-style (leftmost placement, unchanged base first): chr2-27058600-CAAGT-C. GRCh37 (hg19) VCF-style: chr2-27281468-CAAGT-C.
Other names: c.1874+2_1874+5del (NM_001035507.3).
Identifiers: ClinVar variation 1914244 (VCV001914244.5), dbSNP rs775833997, ClinGen allele CA1567985.